The following is an entry in ClinVar:

NC_000008.11:g.27479265_27479274del

Gene: CHRNA2 (cholinergic receptor nicotinic alpha 2 subunit; minus strand). Cytogenetic location: 8p21.2.
Variant type: Deletion.
Genome position: GRCh38 VCF-style: chr8-27479255-CACACACACAT-C. GRCh37 (hg19) VCF-style: chr8-27336772-CACACACACAT-C.
Identifiers: ClinVar variation 1695226 (VCV001695226.31), dbSNP rs1349833594, ClinGen allele CA460047055.
Genomic context (GRCh38, chr8:27,479,255, plus strand): 5'-GGGATGAGGGCTCAGCACACAAGCACACAGGCTCACGCTGTTCTCTCTCTCTCTCACACA[CACACACACAT>C]ACACACACACACACACACACACAGCCTCTCTGGAGGGGAAGGAGGAGGAGCCTGTGACTC-3'

ClinVar aggregate classification (germline): Benign (1 of 4 stars; one submission).

Submission:

CeGaT Center for Human Genetics Tuebingen
Classification: Benign. Last evaluated: 2022-08-01. Review status: criteria provided, single submitter. Criteria: CeGaT Center For Human Genetics Tuebingen Variant Classification Criteria Version 2. Collection method: clinical testing. Allele origin: germline. Affected: yes. Observed: 3 variant alleles.
Comment: CHRNA2: BS1, BS2